The following is an entry in ClinVar:

NM_153033.5(KCTD7):c.251G>A (p.Arg84Gln)

Gene: KCTD7 (potassium channel tetramerization domain containing 7; plus strand). Cytogenetic location: 7q11.21.
Variant type: single nucleotide variant.
Coding change: c.251G>A on transcript NM_153033.5 (MANE Select); coding-DNA position 251, G replaced by A.
Protein change: p.Arg84Gln; replaces arginine 84 with glutamine.
Molecular consequence: missense variant.
Genome position (GRCh38, 1-based): chr7:66,633,381, G>A. VCF-style: chr7-66633381-G-A. GRCh37 (hg19) VCF-style: chr7-66098368-G-A.
Other names: c.251G>A, p.Arg84Gln (NM_001167961.2); short protein forms R84Q.
Identifiers: ClinVar variation 848103 (VCV000848103.12), dbSNP rs200575329, ClinGen allele CA4278210.
Genomic context (GRCh38, chr7:66,633,381, plus strand): 5'-CACGCCTGTCCACACTGCGGTGCTACGAAGACACCATGTTGGCAGCCATGTTCAGTGGGC[G>A]GCACTACATCCCCACGGACTCCGAGGGCCGGTACTTCATCGACCGAGATGGCACACACTT-3'
Protein context (NP_694578.1, residues 74-94): DTMLAAMFSG[Arg84Gln]HYIPTDSEGR

ClinVar aggregate classification (germline): Conflicting classifications of pathogenicity. Review status: criteria provided, conflicting classifications (1 of 4 stars). 3 submissions from 3 submitters: Pathogenic (1); Uncertain significance (2). Last evaluated 2024-04-26.

Conditions:
Progressive myoclonic epilepsy type 3. Also called: EPILEPSY, PROGRESSIVE MYOCLONIC, 3, WITH OR WITHOUT INTRACELLULAR INCLUSIONS; CEROID LIPOFUSCINOSIS, NEURONAL, 14; EPILEPSY, PROGRESSIVE MYOCLONIC, 3, WITHOUT INTRACELLULAR INCLUSIONS; KCTD7-Related Progressive Myoclonic Epilepsy. Identifiers: Orphanet 263516, MedGen C2673257, MONDO:0012721, OMIM 611726.

Allele frequency attached by ClinVar (database versions not stated): gnomAD exomes below 0.00001; ExAC 0.00001; TOPMed 0.00001; gnomAD 0.00002.
gnomAD v4.1: 4 of 1,613,912 alleles (0.00025%); highest among the groups gnomAD compares: African/African-American, 0.0027%; no homozygotes.

Submissions (3):

Women's Health and Genetics/Laboratory Corporation of America, LabCorp
Classification: Uncertain significance. Last evaluated: 2024-04-26. Review status: criteria provided, single submitter. Criteria: LabCorp Variant Classification Summary - May 2015. Collection method: clinical testing. Allele origin: germline.
Comment: Variant summary: KCTD7 c.251G>A (p.Arg84Gln) results in a conservative amino acid change located in the BTB/POZ domain (IPR000210) of the encoded protein sequence. Three of five in-silico tools predict a benign effect of the variant on protein function. The variant allele was found at a frequency of 4e-06 in 251456 control chromosomes. The available data on variant occurrences in the general population are insufficient to allow any conclusion about variant significance. c.251G>A has been reported in the literature in at least one individual affected with Neuronal Ceroid-Lipofuscinosis (Batten Disease) (Metz_2018). These data do not allow any conclusion about variant significance. At least one publication reports experimental evidence evaluating an impact on protein function. Co-immunoprecipitation assays show a reduction in binding to CUL3 (Metz_2018). The following publication has been ascertained in the context of this evaluation (PMID: 30295347). ClinVar contains an entry for this variant (Variation ID: 848103). Based on the evidence outlined above, the variant was classified as uncertain significance.

Mendelics
Classification: Pathogenic for Progressive myoclonic epilepsy type 3. Last evaluated: 2022-05-04. Review status: criteria provided, single submitter. Criteria: Mendelics Assertion Criteria 2019. Collection method: clinical testing. Allele origin: germline.

Labcorp Genetics (formerly Invitae), Labcorp
Classification: Uncertain significance for Progressive myoclonic epilepsy type 3. Last evaluated: 2019-03-26. Review status: criteria provided, single submitter. Criteria: Invitae Variant Classification Sherloc (09022015). Collection method: clinical testing. Allele origin: germline.
Comment: In summary, the available evidence is currently insufficient to determine the role of this variant in disease. Therefore, it has been classified as a Variant of Uncertain Significance. Algorithms developed to predict the effect of missense changes on protein structure and function (SIFT, PolyPhen-2, Align-GVGD) all suggest that this variant is likely to be disruptive, but these predictions have not been confirmed by published functional studies and their clinical significance is uncertain. This variant has not been reported in the literature in individuals with KCTD7-related conditions. This variant is present in population databases (rs200575329, ExAC 0.01%). This sequence change replaces arginine with glutamine at codon 84 of the KCTD7 protein (p.Arg84Gln). The arginine residue is highly conserved and there is a small physicochemical difference between arginine and glutamine.

Literature cited by the submitters: PubMed 30295347 (cited by Women's Health and Genetics/Laboratory Corporation of America, LabCorp).